The following is an entry in ClinVar:

ClinVar aggregate classification (germline): Pathogenic/Likely pathogenic. Review status: criteria provided, multiple submitters, no conflicts (2 of 4 stars). 2 submissions from 2 submitters: Pathogenic (1); Likely pathogenic (1). Last evaluated 2025-03-27.

Conditions:
Neurofibromatosis, type 1 (NF1). Also called: VON RECKLINGHAUSEN DISEASE; Neurofibromatosis, type I; NEUROFIBROMATOSIS, TYPE I, SOMATIC; Peripheral type neurofibromatosis. Identifiers: Orphanet 636, MedGen C0027831, MONDO:0018975, OMIM 162200. Disease mechanism: loss of function.

Submissions (2):

3billion
Classification: Likely pathogenic for Neurofibromatosis, type 1. Last evaluated: 2025-03-27. Review status: criteria provided, single submitter. Criteria: ACMG Guidelines, 2015. Collection method: clinical testing. Allele origin: germline. Affected: yes.

Labcorp Genetics (formerly Invitae), Labcorp
Classification: Pathogenic for Neurofibromatosis, type 1. Last evaluated: 2025-02-18. Review status: criteria provided, single submitter. Criteria: Invitae Variant Classification Sherloc (09022015). Collection method: clinical testing. Allele origin: germline.
Comment: This sequence change creates a premature translational stop signal (p.Thr2590Ilefs*12) in the NF1 gene. It is expected to result in an absent or disrupted protein product. Loss-of-function variants in NF1 are known to be pathogenic (PMID: 10712197, 23913538). This variant is not present in population databases (gnomAD no frequency). This variant has not been reported in the literature in individuals affected with NF1-related conditions. For these reasons, this variant has been classified as Pathogenic.

Literature cited by the submitters: PubMed 10712197 (cited by Labcorp Genetics (formerly Invitae), Labcorp); PubMed 23913538 (cited by Labcorp Genetics (formerly Invitae), Labcorp).

NM_001042492.3(NF1):c.7830_7833del (p.Thr2611fs)

Gene: NF1 (neurofibromin 1; plus strand). Cytogenetic location: 17q11.2.
Variant type: Microsatellite.
Coding change: c.7830_7833del on transcript NM_001042492.3 (MANE Select); coding-DNA positions 7830 to 7833, 4 bases deleted (TACT; older notation c.7830_7833delTACT).
Protein change: p.Thr2611fs; shifts the reading frame from threonine 2611.
Molecular consequence: frameshift variant.
Genome position (GRCh38, 1-based): chr17:31,357,051-31,357,054, TACT deleted; deleting any 4 consecutive bases within chr17:31,357,047-31,357,054 gives the same sequence; the c. name uses the placement nearest the transcript's 3' end. VCF-style (leftmost placement, unchanged base first): chr17-31357046-GTACT-G. GRCh37 (hg19) VCF-style: chr17-29684064-GTACT-G.
Other names: c.7767_7770del, p.Thr2590fs (NM_000267.4); short protein forms T2590fs, T2611fs.
Identifiers: ClinVar variation 4293497 (VCV004293497.2).